The following is an entry in ClinVar:

NM_001353979.2(KDM5C):c.4331C>A (p.Ala1444Asp)

Gene: KDM5C (lysine demethylase 5C; minus strand). Cytogenetic location: Xp11.22.
Variant type: single nucleotide variant.
Coding change: c.4331C>A on transcript NM_001353979.2; coding-DNA position 4331, C replaced by A.
Protein change: p.Ala1444Asp; replaces alanine 1444 with aspartic acid.
Molecular consequence: missense variant. On other transcripts: non-coding transcript variant (3).
Genome position (GRCh38, 1-based): chrX:53,176,606, G>T on the plus strand (C>A on the coding strand, the complement: KDM5C is on the minus strand). VCF-style: chrX-53176606-G-T. GRCh37 (hg19) VCF-style: chrX-53205788-G-T.
Other names: c.4325C>A, p.Ala1442Asp (NM_001353981.2); c.4322C>A, p.Ala1441Asp (NM_001353982.2); short protein forms A1441D, A1442D, A1444D.
Identifiers: ClinVar variation 4822984 (VCV004822984.4).
Genomic context (GRCh38, chrX:53,176,606, plus strand): 5'-TGTCTCATTGTCTGGATGTGGTGATATGGGAGATTTCAGTTCCTCGATTCTCTCTGGGAG[G>T]CCTGATGGTTGGTTTCCTGAGAAAGGAACTCAGATAAAAACAAATATAAGTTTCTCAATT-3'

ClinVar aggregate classification (germline): Likely benign (1 of 4 stars; one submission).

gnomAD v4.1: 7 of 112,024 alleles (0.0062%); highest among the groups gnomAD compares: Admixed American, 0.067%; no homozygotes.

Submission:

CeGaT Center for Human Genetics Tuebingen
Classification: Likely benign. Last evaluated: 2026-01-01. Review status: criteria provided, single submitter. Criteria: CeGaT Center For Human Genetics Tuebingen Variant Classification Criteria Version 2. Collection method: clinical testing. Allele origin: germline. Affected: yes. Observed: 1 variant allele.
Comment: KDM5C: BS2